The following is an entry in ClinVar:

ClinVar aggregate classification (germline): Conflicting classifications of pathogenicity. Review status: criteria provided, conflicting classifications (1 of 4 stars). 6 submissions from 6 submitters: Uncertain significance (4); Benign (1). 1 of the submissions does not count toward it. Last evaluated 2025-10-13.

Conditions:
Lynch syndrome. Identifiers: Orphanet 144, MedGen C4552100, MONDO:0005835. Disease mechanism: loss of function.
Hereditary cancer-predisposing syndrome. Also called: Hereditary Cancer Syndrome; Hereditary neoplastic syndrome; Neoplastic Syndromes, Hereditary; Tumor predisposition. Identifiers: Orphanet 140162, MedGen C0027672, MeSH D009386, MONDO:0015356.
Hereditary nonpolyposis colorectal neoplasms. Identifiers: MedGen C0009405, MeSH D003123.
Endometrial carcinoma. Also called: Endometrial carcinoma, somatic. Identifiers: MedGen C0476089, MONDO:0002447, OMIM 608089, HP:0012114.
Lynch syndrome 5 (LYNCH5). Also called: Colorectal cancer, hereditary nonpolyposis, type 5; Hereditary non-polyposis colorectal cancer, type 5. Identifiers: Orphanet 144, MedGen C1833477, MONDO:0013710, OMIM 614350. Disease mechanism: loss of function.

Allele frequency attached by ClinVar (database versions not stated): gnomAD exomes below 0.00001; ExAC 0.00001; gnomAD 0.00001; TOPMed 0.00001.
gnomAD v4.1: 2 of 1,577,828 alleles (0.00013%); highest among the groups gnomAD compares: African/African-American, 0.0014%; no homozygotes.

Submissions (6):

Labcorp Genetics (formerly Invitae), Labcorp
Classification: Benign for Hereditary nonpolyposis colorectal neoplasms. Last evaluated: 2025-10-13. Review status: criteria provided, single submitter. Criteria: Invitae Variant Classification Sherloc (09022015). Collection method: clinical testing. Allele origin: germline.

Ambry Genetics
Classification: Uncertain significance for Hereditary cancer-predisposing syndrome. Last evaluated: 2025-09-26. Review status: criteria provided, single submitter. Criteria: Ambry Variant Classification Scheme 2023. Collection method: clinical testing. Allele origin: germline.
Comment: The p.E983D variant (also known as c.2949G>C), located in coding exon 4 of the MSH6 gene, results from a G to C substitution at nucleotide position 2949. The glutamic acid at codon 983 is replaced by aspartic acid, an amino acid with highly similar properties. This alteration was identified in an individual with a personal and/or family history concerning for Lynch syndrome (Pastrello C et al. Genet Med, 2011 Feb;13:115-24). This amino acid position is well conserved in available vertebrate species. In addition, this alteration is predicted to be tolerated by in silico analysis. Since supporting evidence is limited at this time, the clinical significance of this alteration remains unclear.

St. Jude Molecular Pathology, St. Jude Children's Research Hospital
Classification: Uncertain significance for Lynch syndrome 5. Last evaluated: 2024-07-16. Review status: criteria provided, single submitter. Criteria: St. Jude Assertion Criteria 2020. Collection method: clinical testing. Allele origin: germline.
Comment: The MSH6 c.2949G>C (p.Glu983Asp) missense change has a maximum subpopulation frequency of 0.006% in gnomAD v2.1.1. The in silico tool REVEL is inconclusive about a pathogenic or benign effect of this variant on protein function, and to our knowledge functional studies have not been performed. In summary, the evidence currently available is insufficient to determine the clinical significance of this variant. It has therefore been classified as of uncertain significance.

Baylor Genetics
Classification: Uncertain significance for Endometrial carcinoma. Last evaluated: 2023-09-04. Review status: criteria provided, single submitter. Criteria: ACMG Guidelines, 2015. Collection method: clinical testing. Allele origin: unknown.

Color Diagnostics, LLC DBA Color Health
Classification: Uncertain significance for Hereditary cancer-predisposing syndrome. Last evaluated: 2023-03-28. Review status: criteria provided, single submitter. Criteria: ACMG Guidelines, 2015. Collection method: clinical testing. Allele origin: germline.
Comment: This missense variant replaces glutamic acid with aspartic acid at codon 983 of the MSH6 protein. Computational prediction suggests that this variant may not impact protein structure and function (internally defined REVEL score threshold <= 0.5, PMID: 27666373). To our knowledge, functional studies have not been reported for this variant. This variant has not been reported in individuals affected with MSH6-related disorders in the literature. This variant has been identified in 1/224028 chromosomes in the general population by the Genome Aggregation Database (gnomAD). The available evidence is insufficient to determine the role of this variant in disease conclusively. Therefore, this variant is classified as a Variant of Uncertain Significance.

Department of Pathology and Laboratory Medicine, Sinai Health System
Classification: Uncertain significance for Lynch syndrome. Review status: no assertion criteria provided. Collection method: clinical testing. Allele origin: unknown. Affected: yes. Study: The Canadian Open Genetics Repository (COGR). Not counted in ClinVar's aggregate classification.
Comment: The MSH6 p.Glu983Asp variant was not identified in the literature, nor was it identified in any of the databases searched, including: dbSNP, Exome Variant Server ESP Project, HGMD, UMD, â€šÃ„ÃºMismatch Repair Genes Variant Databaseâ€šÃ„Ã¹, â€šÃ„ÃºInSiGHT Colon Cancer Databaseâ€šÃ„Ã¹, and â€šÃ„ÃºMMR Gene Unclassified Variants Databaseâ€šÃ„Ã¹. Although the p.Glu983 residue is conserved in mammals, computational analyses (PolyPhen-2, SIFT, AlignGVGD, BLOSUM) do not suggest a high likelihood of impact to the protein. However, this is not predictive enough to rule out pathogenicity. In summary, based on the above information, the clinical significance of this variant cannot be determined with certainty at this time. This variant is classified as a variant of unknown significance.

Literature cited by the submitters: PubMed 21239990 (cited by Ambry Genetics).

NM_000179.3(MSH6):c.2949G>C (p.Glu983Asp)

Gene: MSH6 (mutS homolog 6; plus strand). Cytogenetic location: 2p16.3.
Variant type: single nucleotide variant.
Coding change: c.2949G>C on transcript NM_000179.3 (MANE Select); coding-DNA position 2949, G replaced by C.
Protein change: p.Glu983Asp; replaces glutamic acid 983 with aspartic acid.
Molecular consequence: missense variant.
Genome position (GRCh38, 1-based): chr2:47,800,932, G>C. VCF-style: chr2-47800932-G-C. GRCh37 (hg19) VCF-style: chr2-48028071-G-C.
Other names: c.2559G>C, p.Glu853Asp (NM_001281492.2); c.2043G>C, p.Glu681Asp (NM_001281493.2, NM_001281494.2); short protein forms E983D, E681D, E853D.
Identifiers: ClinVar variation 433918 (VCV000433918.19), dbSNP rs780485157, ClinGen allele CA069854.